The following is an entry in ClinVar:

NM_004972.4(JAK2):c.791C>T (p.Ala264Val)

Genes: INSL6 (insulin like 6; minus strand), JAK2 (Janus kinase 2; plus strand). Cytogenetic location: 9p24.1.
Variant type: single nucleotide variant.
Coding change: c.791C>T on transcript NM_004972.4 (MANE Select); coding-DNA position 791, C replaced by T.
Protein change: p.Ala264Val; replaces alanine 264 with valine.
Molecular consequence: missense variant. On other transcripts: 5 prime UTR variant (2), non-coding transcript variant (2).
Genome position (GRCh38, 1-based): chr9:5,054,739, C>T. VCF-style: chr9-5054739-C-T. GRCh37 (hg19) VCF-style: chr9-5054739-C-T.
Other names: c.791C>T, p.Ala264Val (NM_001322194.2, NM_001322195.2, NM_001322196.2); c.-330C>T (NM_001322198.2, NM_001322199.2); c.344C>T, p.Ala115Val (NM_001322204.2); short protein forms A115V, A264V.
Identifiers: ClinVar variation 4848390 (VCV004848390.1).

ClinVar aggregate classification (germline): Uncertain significance (1 of 4 stars; one submission).

Submission:

Women's Health and Genetics/Laboratory Corporation of America, LabCorp
Classification: Uncertain significance. Last evaluated: 2026-04-20. Review status: criteria provided, single submitter. Criteria: LabCorp Variant Classification Summary - May 2015. Collection method: clinical testing. Allele origin: germline.
Comment: Variant summary: JAK2 c.791C>T (p.Ala264Val) results in a non-conservative amino acid change in the encoded protein sequence. Algorithms developed to predict the effect of missense changes on protein structure and function are either unavailable or do not agree on the potential impact of this missense change. The variant was absent in 250878 control chromosomes. The available data on variant occurrences in the general population are insufficient to allow any conclusion about variant significance. To our knowledge, no occurrence of c.791C>T in individuals affected with JAK2-related conditions and no experimental evidence demonstrating its impact on protein function have been reported. No submitters have cited clinical-significance assessments for this variant to ClinVar. Based on the evidence outlined above, the variant was classified as uncertain significance.